The following is an entry in ClinVar:

NM_006019.4(TCIRG1):c.839A>G (p.Gln280Arg)

Gene: TCIRG1 (T cell immune regulator 1, ATPase H+ transporting V0 subunit a3; plus strand). Cytogenetic location: 11q13.2.
Variant type: single nucleotide variant.
Coding change: c.839A>G on transcript NM_006019.4 (MANE Select); coding-DNA position 839, A replaced by G.
Protein change: p.Gln280Arg; replaces glutamine 280 with arginine.
Molecular consequence: missense variant. On other transcripts: 5 prime UTR variant (1).
Genome position (GRCh38, 1-based): chr11:68,044,163, A>G. VCF-style: chr11-68044163-A-G. GRCh37 (hg19) VCF-style: chr11-67811630-A-G.
Other names: c.-56A>G (NM_001351059.2); c.191A>G, p.Gln64Arg (NM_006053.4); short protein forms Q280R, Q64R.
Identifiers: ClinVar variation 1388092 (VCV001388092.3), dbSNP rs2134441650, ClinGen allele CA381579937.
Genomic context (GRCh38, chr11:68,044,163, plus strand): 5'-GCCCCCGCTGACTGCCCACTCTGGCGCAGGTCCTCGGGGAGACAGAGCGGTTCCTGAGCC[A>G]GGTGCTAGGCCGGGTGCTGCAGCTGCTGCCGCCAGGGCAGGTGCAGGTCCACAAGATGAA-3'
Protein context (NP_006010.2, residues 270-290): VLGETERFLS[Gln280Arg]VLGRVLQLLP

ClinVar aggregate classification (germline): Uncertain significance (1 of 4 stars; one submission).

Submission:

Labcorp Genetics (formerly Invitae), Labcorp
Classification: Uncertain significance. Last evaluated: 2022-07-06. Review status: criteria provided, single submitter. Criteria: Invitae Variant Classification Sherloc (09022015). Collection method: clinical testing. Allele origin: germline.
Comment: This sequence change replaces glutamine, which is neutral and polar, with arginine, which is basic and polar, at codon 280 of the TCIRG1 protein (p.Gln280Arg). This variant is not present in population databases (gnomAD no frequency). This variant has not been reported in the literature in individuals affected with TCIRG1-related conditions. ClinVar contains an entry for this variant (Variation ID: 1388092). Algorithms developed to predict the effect of missense changes on protein structure and function are either unavailable or do not agree on the potential impact of this missense change (SIFT: "Tolerated"; PolyPhen-2: "Probably Damaging"; Align-GVGD: "Class C0"). In summary, the available evidence is currently insufficient to determine the role of this variant in disease. Therefore, it has been classified as a Variant of Uncertain Significance.